The following is an entry in ClinVar:

ClinVar aggregate classification (germline): Uncertain significance (1 of 4 stars; one submission).

Allele frequency attached by ClinVar (database versions not stated): gnomAD exomes below 0.00001.
gnomAD v4.1: 1 of 1,609,430 alleles (0.000062%); highest among the groups gnomAD compares: South Asian, 0.0011%; no homozygotes.

Submission:

Labcorp Genetics (formerly Invitae), Labcorp
Classification: Uncertain significance. Last evaluated: 2022-02-12. Review status: criteria provided, single submitter. Criteria: Invitae Variant Classification Sherloc (09022015). Collection method: clinical testing. Allele origin: germline.
Comment: This sequence change replaces histidine, which is basic and polar, with tyrosine, which is neutral and polar, at codon 48 of the CYP17A1 protein (p.His48Tyr). This variant is not present in population databases (gnomAD no frequency). This variant has not been reported in the literature in individuals affected with CYP17A1-related conditions. Algorithms developed to predict the effect of missense changes on protein structure and function are either unavailable or do not agree on the potential impact of this missense change (SIFT: "Tolerated"; PolyPhen-2: "Probably Damaging"; Align-GVGD: "Class C0"). In summary, the available evidence is currently insufficient to determine the role of this variant in disease. Therefore, it has been classified as a Variant of Uncertain Significance.

NM_000102.4(CYP17A1):c.142C>T (p.His48Tyr)

Gene: CYP17A1 (cytochrome P450 family 17 subfamily A member 1; minus strand). Cytogenetic location: 10q24.32.
Variant type: single nucleotide variant.
Coding change: c.142C>T on transcript NM_000102.4 (MANE Select); coding-DNA position 142, C replaced by T.
Protein change: p.His48Tyr; replaces histidine 48 with tyrosine.
Molecular consequence: missense variant.
Genome position (GRCh38, 1-based): chr10:102,837,220, G>A on the plus strand (C>T on the coding strand, the complement: CYP17A1 is on the minus strand). VCF-style: chr10-102837220-G-A. GRCh37 (hg19) VCF-style: chr10-104596977-G-A.
Other names: short protein forms H48Y.
Identifiers: ClinVar variation 2080074 (VCV002080074.1), dbSNP rs2493245805, ClinGen allele CA377940897.